The following is an entry in ClinVar:

ClinVar aggregate classification (germline): Uncertain significance. Review status: criteria provided, multiple submitters, no conflicts (2 of 4 stars). 2 submissions from 2 submitters: Uncertain significance (2). Last evaluated 2025-07-02.

Conditions:
ITGB3-related disorder. Also called: ITGB3-related condition.

Allele frequency attached by ClinVar (database versions not stated): gnomAD exomes below 0.00001; TOPMed below 0.00001.
gnomAD v4.1: 7 of 1,614,096 alleles (0.00043%); highest among the groups gnomAD compares: Non-Finnish European, 0.00059%; no homozygotes.

Submissions (2):

Labcorp Genetics (formerly Invitae), Labcorp
Classification: Uncertain significance. Last evaluated: 2025-07-02. Review status: criteria provided, single submitter. Criteria: Invitae Variant Classification Sherloc (09022015). Collection method: clinical testing. Allele origin: germline.
Comment: This sequence change replaces threonine, which is neutral and polar, with isoleucine, which is neutral and non-polar, at codon 275 of the ITGB3 protein (p.Thr275Ile). This variant is not present in population databases (gnomAD no frequency). This variant has not been reported in the literature in individuals affected with ITGB3-related conditions. ClinVar contains an entry for this variant (Variation ID: 2635781). Invitae Evidence Modeling of protein sequence and biophysical properties (such as structural, functional, and spatial information, amino acid conservation, physicochemical variation, residue mobility, and thermodynamic stability) has been performed for this missense variant. However, the output from this modeling did not meet the statistical confidence thresholds required to predict the impact of this variant on ITGB3 protein function. In summary, the available evidence is currently insufficient to determine the role of this variant in disease. Therefore, it has been classified as a Variant of Uncertain Significance.

PreventionGenetics, part of Exact Sciences
Classification: Uncertain significance for ITGB3-related condition. Last evaluated: 2022-11-29. Review status: criteria provided, single submitter. Criteria: ACMG Guidelines, 2015. Collection method: clinical testing. Allele origin: germline.
Comment: The ITGB3 c.824C>T variant is predicted to result in the amino acid substitution p.Thr275Ile. To our knowledge, this variant has not been reported in the literature or in a large population database, indicating this variant is rare. At this time, the clinical significance of this variant is uncertain due to the absence of conclusive functional and genetic evidence.

NM_000212.3(ITGB3):c.824C>T (p.Thr275Ile)

Genes: ITGB3 (integrin subunit beta 3; plus strand), LOC130061045 (ATAC-STARR-seq lymphoblastoid active region 12309; plus strand). Cytogenetic location: 17q21.32.
Variant type: single nucleotide variant.
Coding change: c.824C>T on transcript NM_000212.3 (MANE Select); coding-DNA position 824, C replaced by T.
Protein change: p.Thr275Ile; replaces threonine 275 with isoleucine.
Molecular consequence: missense variant.
Genome position (GRCh38, 1-based): chr17:47,287,116, C>T. VCF-style: chr17-47287116-C-T. GRCh37 (hg19) VCF-style: chr17-45364482-C-T.
Other names: short protein forms T275I.
Identifiers: ClinVar variation 2635781 (VCV002635781.2), dbSNP rs2065105582, ClinGen allele CA400024696.